The following is an entry in ClinVar:

NM_001297595.2(SIN3B):c.1623-5C>A

Gene: SIN3B (SIN3 transcription regulator family member B; plus strand). Cytogenetic location: 19p13.11.
Variant type: single nucleotide variant.
Coding change: c.1623-5C>A on transcript NM_001297595.2 (MANE Select); 5 bases into the intron before coding-DNA position 1623, C replaced by A.
Molecular consequence: intron variant.
Genome position (GRCh38, 1-based): chr19:16,866,368, C>A. VCF-style: chr19-16866368-C-A. GRCh37 (hg19) VCF-style: chr19-16977179-C-A.
Other names: c.1719-5C>A (NM_015260.4); c.393-5C>A (NM_001297597.2).
Identifiers: ClinVar variation 3764514 (VCV003764514.1).

ClinVar aggregate classification (germline): Uncertain significance (1 of 4 stars; one submission).

Conditions:
SIN3B-associated disorder.

gnomAD v4.1: 6 of 1,609,804 alleles (0.00037%); highest among the groups gnomAD compares: South Asian, 0.0011%; no homozygotes.

Submission:

Institute of Human Genetics, University of Goettingen
Classification: Uncertain significance for SIN3B-associated disorder. Last evaluated: 2025-02-17. Review status: criteria provided, single submitter. Criteria: ACMG Guidelines, 2015. Collection method: clinical testing. Allele origin: germline. Affected: yes. Observed: 1 heterozygote.
Comment: The splice region variant and splice polypyrimidine tract variant and intron variant was identified in the Het state in the SIN3B gene. In silico predictions for this variant are inconclusive. The conservation at this position is low. The splice prediction at this position is high. This variant has not been seen previously in our laboratory. The variant is absent from ClinVar, and absent from HGMD. This variant is reported in gnomAD (MAF 0.0000143583). This variant is not present in the homozygous state in gnomAD. According to the ACMG guidelines, the variant is classified as Uncertain significance. Based on the above information, the variant is predicted to be VUS for this patient.